The following is an entry in ClinVar:

ClinVar aggregate classification (germline): Conflicting classifications of pathogenicity. Review status: criteria provided, conflicting classifications (1 of 4 stars). 3 submissions from 3 submitters: Uncertain significance (2); Likely benign (1). Last evaluated 2025-11-04.

Conditions:
Inborn genetic diseases. Identifiers: MedGen C0950123, MeSH D030342.

Allele frequency attached by ClinVar (database versions not stated): TOPMed 0.00010; gnomAD exomes 0.00003 and 0.00008; gnomAD 0.00008 and 0.00009; ExAC 0.00008; ESP Exome Variant Server 0.00031.
gnomAD v4.1: 51 of 1,613,698 alleles (0.0032%); highest among the groups gnomAD compares: African/African-American, 0.024%; no homozygotes.

Submissions (3):

GeneDx
Classification: Uncertain significance. Last evaluated: 2025-11-04. Review status: criteria provided, single submitter. Criteria: GeneDx Variant Classification Process June 2021. Collection method: clinical testing. Allele origin: germline. Affected: yes.
Comment: In silico analysis suggests that this missense variant does not alter protein structure/function; Has not been previously published as pathogenic or benign to our knowledge

Ambry Genetics
Classification: Likely benign for Inborn genetic diseases. Last evaluated: 2024-07-30. Review status: criteria provided, single submitter. Criteria: Ambry Variant Classification Scheme 2023. Collection method: clinical testing. Allele origin: germline.

Eurofins Ntd Llc (ga)
Classification: Uncertain significance. Last evaluated: 2017-08-09. Review status: criteria provided, single submitter. Criteria: EGL Classification Definitions 2015. Collection method: clinical testing. Allele origin: germline. Observed: 1 variant allele, 1 heterozygote.

NM_004817.4(TJP2):c.985G>A (p.Val329Ile)

Gene: TJP2 (tight junction protein 2; plus strand). Cytogenetic location: 9q21.11.
Variant type: single nucleotide variant.
Coding change: c.985G>A on transcript NM_004817.4 (MANE Select); coding-DNA position 985, G replaced by A.
Protein change: p.Val329Ile; replaces valine 329 with isoleucine.
Molecular consequence: missense variant.
Genome position (GRCh38, 1-based): chr9:69,225,336, G>A. VCF-style: chr9-69225336-G-A. GRCh37 (hg19) VCF-style: chr9-71840252-G-A.
Other names: c.985G>A, p.Val329Ile (LRG_1201t1, NM_001369872.1, NM_001369873.1 and 1 more transcripts); c.916G>A, p.Val306Ile (NM_001170414.2, NM_001369870.1, NM_001369871.1); c.997G>A, p.Val333Ile (NM_001170415.1, NM_001369874.1, NM_001369875.1); c.1078G>A, p.Val360Ile (NM_001170416.2); short protein forms V329I, V306I, V360I, V333I.
Identifiers: ClinVar variation 593478 (VCV000593478.11), dbSNP rs140340673, ClinGen allele CA5073158.